The following is an entry in ClinVar:

NM_001267550.2(TTN):c.91977del (p.Lys30659fs)

Genes: TTN (titin; minus strand), TTN-AS1 (TTN antisense RNA 1; plus strand). Cytogenetic location: 2q31.2.
Variant type: Deletion.
Coding change: c.91977del on transcript NM_001267550.2 (MANE Select); coding-DNA position 91977, one base deleted (A; older notation c.91977delA).
Protein change: p.Lys30659fs; shifts the reading frame from lysine 30659.
Molecular consequence: frameshift variant.
Genome position (GRCh38, 1-based): chr2:178,549,745, T deleted on the plus strand (A on the coding strand, the reverse complement: TTN is on the minus strand); the first of 5 consecutive T bases (chr2:178,549,745-178,549,749); deleting any one gives the same sequence. VCF-style (leftmost placement, unchanged base first): chr2-178549744-GT-G. GRCh37 (hg19) VCF-style: chr2-179414471-GT-G.
Other names: c.87054del, p.Lys29018fs (NM_001256850.1); c.64782del, p.Lys21594fs (NM_003319.4); c.84273del, p.Lys28091fs (NM_133378.4); c.65157del, p.Lys21719fs (NM_133432.3); c.65358del, p.Lys21786fs (NM_133437.4); short protein forms K21594fs, K28091fs, K29018fs, K21786fs, K21719fs, K30659fs.
Identifiers: ClinVar variation 2949984 (VCV002949984.3), dbSNP rs2469174200, ClinGen allele CA2740095985.
Genomic context (GRCh38, chr2:178,549,744, plus strand): 5'-TGTAACTTTGGGCTTCACATTTATCCTCAATTAGTGCCCAGGCAAGTCTGCTGGTTTCCC[GT>G]TTTTCAATGATGTAGTGGGTTATGGGAGCACAACCGTCATTGAGTGGGGCATCCCACCAC-3'

ClinVar aggregate classification (germline): Likely pathogenic (1 of 4 stars; one submission).

Conditions:
Dilated cardiomyopathy 1G (CMD1G). Identifiers: Orphanet 154, MedGen C1858763, MONDO:0011400, OMIM 604145.
Autosomal recessive limb-girdle muscular dystrophy type 2J (LGMDR10). Also called: Limb-girdle muscular dystrophy, type 2J; MUSCULAR DYSTROPHY, LIMB-GIRDLE, AUTOSOMAL RECESSIVE 10. Identifiers: Orphanet 140922, MedGen C1837342, MONDO:0012127, OMIM 608807.

Submission:

Labcorp Genetics (formerly Invitae), Labcorp
Classification: Likely pathogenic for Dilated cardiomyopathy 1G; Autosomal recessive limb-girdle muscular dystrophy type 2J. Last evaluated: 2024-02-13. Review status: criteria provided, single submitter. Criteria: Invitae Variant Classification Sherloc (09022015). Collection method: clinical testing. Allele origin: germline.
Comment: This sequence change creates a premature translational stop signal (p.Lys30659Asnfs*11) in the TTN gene. While this is not anticipated to result in nonsense mediated decay, it is expected to create a truncated TTN protein. This variant is not present in population databases (gnomAD no frequency). This variant has not been reported in the literature in individuals affected with TTN-related conditions. Algorithms developed to predict the effect of sequence changes on RNA splicing suggest that this variant may disrupt the consensus splice site. This variant is located in the A band of TTN (PMID: 25589632). Truncating variants in this region are significantly overrepresented in patients affected with dilated cardiomyopathy (PMID: 25589632). Truncating variants in this region have also been reported in individuals affected with autosomal recessive centronuclear myopathy (PMID: 23975875). In summary, the currently available evidence indicates that the variant is pathogenic, but additional data are needed to prove that conclusively. Therefore, this variant has been classified as Likely Pathogenic.

Literature cited by the submitters: PubMed 25589632; PubMed 23975875.